The following is an entry in ClinVar:

ClinVar aggregate classification (germline): Conflicting classifications of pathogenicity. Review status: criteria provided, conflicting classifications (1 of 4 stars). 2 submissions from 2 submitters: Uncertain significance (1); Likely benign (1). Last evaluated 2024-02-09.

Allele frequency attached by ClinVar (database versions not stated): TOPMed 0.00002; gnomAD 0.00003.
gnomAD v4.1: 120 of 1,614,050 alleles (0.0074%); highest among the groups gnomAD compares: Non-Finnish European, 0.0099%; no homozygotes.

Submissions (2):

Labcorp Genetics (formerly Invitae), Labcorp
Classification: Uncertain significance. Last evaluated: 2024-02-09. Review status: criteria provided, single submitter. Criteria: Invitae Variant Classification Sherloc (09022015). Collection method: clinical testing. Allele origin: germline.
Comment: This sequence change replaces lysine, which is basic and polar, with asparagine, which is neutral and polar, at codon 360 of the DSTYK protein (p.Lys360Asn). This variant is present in population databases (no rsID available, gnomAD 0.004%). This variant has not been reported in the literature in individuals affected with DSTYK-related conditions. An algorithm developed to predict the effect of missense changes on protein structure and function (PolyPhen-2) suggests that this variant is likely to be tolerated. In summary, the available evidence is currently insufficient to determine the role of this variant in disease. Therefore, it has been classified as a Variant of Uncertain Significance.

Blueprint Genetics
Classification: Likely benign. Last evaluated: 2019-08-28. Review status: criteria provided, single submitter. Criteria: ACMG Guidelines, 2015. Collection method: clinical testing. Allele origin: germline.

NM_015375.3(DSTYK):c.1080G>C (p.Lys360Asn)

Gene: DSTYK (dual serine/threonine and tyrosine protein kinase; minus strand). Cytogenetic location: 1q32.1.
Variant type: single nucleotide variant.
Coding change: c.1080G>C on transcript NM_015375.3 (MANE Select); coding-DNA position 1080, G replaced by C.
Protein change: p.Lys360Asn; replaces lysine 360 with asparagine.
Molecular consequence: missense variant.
Genome position (GRCh38, 1-based): chr1:205,169,407, C>G on the plus strand (G>C on the coding strand, the complement: DSTYK is on the minus strand). VCF-style: chr1-205169407-C-G. GRCh37 (hg19) VCF-style: chr1-205138535-C-G.
Other names: c.1080G>C, p.Lys360Asn (NM_199462.3); short protein forms K360N.
Identifiers: ClinVar variation 2722528 (VCV002722528.4), dbSNP rs764466450, ClinGen allele CA344400985.